The following is an entry in ClinVar:

NM_024675.4(PALB2):c.36G>A (p.Glu12=)

Gene: PALB2 (partner and localizer of BRCA2; minus strand). Cytogenetic location: 16p12.2.
Variant type: single nucleotide variant.
Coding change: c.36G>A on transcript NM_024675.4 (MANE Select); coding-DNA position 36, G replaced by A.
Protein change: p.Glu12=; no amino-acid change (glutamic acid 12 retained).
Molecular consequence: synonymous variant.
Genome position (GRCh38, 1-based): chr16:23,641,122, C>T on the plus strand (G>A on the coding strand, the complement: PALB2 is on the minus strand). VCF-style: chr16-23641122-C-T. GRCh37 (hg19) VCF-style: chr16-23652443-C-T.
Identifiers: ClinVar variation 185575 (VCV000185575.21), dbSNP rs760609798, ClinGen allele CA192309.
Genomic context (GRCh38, chr16:23,641,122, plus strand): 5'-GAAAGCGGGGTCAGAGTCCTGCGTCCGCCCTTCCCGCACCCCCGGCACCTTTTCCTTCTC[C>T]TCACAGCTGAGGGGCTTCCCGGGAGGCTCGTCCATCGGGCAGGCGACAGAACGAAAAGAG-3'
Protein context (NP_078951.2, residues 2-22): DEPPGKPLSC[Glu12=]EKEKLKEKLA

ClinVar aggregate classification (germline): Conflicting classifications of pathogenicity. Review status: criteria provided, conflicting classifications (1 of 4 stars). 6 submissions from 6 submitters: Uncertain significance (1); Benign (1); Likely benign (4). Last evaluated 2026-01-10.

Conditions:
Hereditary cancer-predisposing syndrome. Also called: Hereditary neoplastic syndrome; Neoplastic Syndromes, Hereditary; Tumor predisposition; Hereditary Cancer Syndrome. Identifiers: Orphanet 140162, MedGen C0027672, MeSH D009386, MONDO:0015356.
Familial cancer of breast. Also called: BREAST CANCER, FAMILIAL; Hereditary breast cancer; hereditary breast carcinoma. Identifiers: Orphanet 227535, MedGen C0346153, MONDO:0016419, OMIM 114480. Disease mechanism: loss of function.

Allele frequency attached by ClinVar (database versions not stated): TOPMed below 0.00001; ExAC 0.00001; gnomAD 0.00001; gnomAD exomes 0.00001 and 0.00002.
gnomAD v4.1: 19 of 1,613,580 alleles (0.0012%); highest among the groups gnomAD compares: Admixed American, 0.01%; no homozygotes.

Submissions (6):

Labcorp Genetics (formerly Invitae), Labcorp
Classification: Likely benign for Familial cancer of breast. Last evaluated: 2026-01-10. Review status: criteria provided, single submitter. Criteria: Invitae Variant Classification Sherloc (09022015). Collection method: clinical testing. Allele origin: germline.

Myriad Genetics, Inc.
Classification: Benign for Familial cancer of breast. Last evaluated: 2025-01-09. Review status: criteria provided, single submitter. Criteria: Myriad Autosomal Dominant, Autosomal Recessive and X-Linked Classification Criteria (2023). Collection method: clinical testing. Allele origin: unknown.
Comment: This variant is considered benign. This variant is a silent/synonymous amino acid change and it is not expected to impact splicing.

Quest Diagnostics Nichols Institute San Juan Capistrano
Classification: Uncertain significance. Last evaluated: 2024-11-20. Review status: criteria provided, single submitter. Criteria: Quest Diagnostics criteria. Collection method: clinical testing. Allele origin: unknown.
Comment: The PALB2 c.36G>A (p.Glu12=) synonymous variant has not been reported in individuals with PALB2-related conditions in the published literature. The frequency of this variant in the general population, 0.00012 (4/34468 chromosomes (Genome Aggregation Database)), is uninformative in the assessment of its pathogenicity. Analysis of this variant using software algorithms for the prediction of the effect of nucleotide changes on PALB2 mRNA splicing yielded inconclusive findings. Based on the available information, we are unable to determine the clinical significance of this variant.

Sema4
Classification: Likely benign for Hereditary cancer-predisposing syndrome. Last evaluated: 2021-11-16. Review status: criteria provided, single submitter. Criteria: Sema4 Curation Guidelines. Collection method: curation. Allele origin: germline.

Color Diagnostics, LLC DBA Color Health
Classification: Likely benign for Hereditary cancer-predisposing syndrome. Last evaluated: 2018-04-03. Review status: criteria provided, single submitter. Criteria: ACMG Guidelines, 2015. Collection method: clinical testing. Allele origin: germline.

Ambry Genetics
Classification: Likely benign for Hereditary cancer-predisposing syndrome. Last evaluated: 2014-07-15. Review status: criteria provided, single submitter. Criteria: Ambry Variant Classification Scheme 2023. Collection method: clinical testing. Allele origin: germline.